The following is an entry in ClinVar:

NM_004409.5(DMPK):c.*224CTG[597]

Genes: DM1-AS (DM1 locus antisense RNA; plus strand), DMPK (DM1 protein kinase; minus strand), LOC107075317 (origin of replication in DMPK trinucleotide repeat region; plus strand), LOC109461477 (dystrophia myotonica protein kinase repeat instability region; plus strand). Cytogenetic location: 19q13.32.
Variant type: Microsatellite.
Coding change: c.*224CTG[597] on transcript NM_004409.5 (MANE Select); 597 copies in a row of the 3-base unit CTG starting at c.*224.
Molecular consequence: 3 prime UTR variant.
Genome position: GRCh38, VCF-style position (the base before the change): chr19:45,770,204. GRCh37 (hg19), VCF-style position (the base before the change): chr19:46,273,462.
Other names: c.*217CTG[597] (NM_001081562.3, NM_001288765.2, NM_001424162.1 and 2 more transcripts); c.*222_*224TGC[597] (NM_001081563.3); c.*224CTG[597] (NM_001288764.2, NM_001424165.1, NM_001424169.1 and 1 more transcripts); c.*369CTG[597] (NM_001288766.2, NM_001424164.1, NM_001424168.1).
Identifiers: ClinVar variation 523757 (VCV000523757.2), ClinGen allele CA915951838.

ClinVar aggregate classification (germline): Pathogenic (0 of 4 stars; one submission).

Conditions:
Steinert myotonic dystrophy syndrome (DM1). Also called: STEINERT DISEASE; Myotonic dystrophy type 1; Dystrophia myotonica type 1; Steinert myotonic dystrophy; Steinert's disease. Identifiers: Orphanet 273, MedGen C3250443, MONDO:0008056, OMIM 160900.

Submission:

Institute of Molecular, Cell and Systems Biology, University of Glasgow
Classification: Pathogenic for Steinert myotonic dystrophy syndrome. Last evaluated: 2018-03-14. Review status: no assertion criteria provided. Collection method: research. Allele origin: paternal. Inheritance: Autosomal dominant inheritance. Affected: yes. Observed: 1 variant allele.
Comment: DMPK CTG repeat expansions greater than approximately 45-50 repeats are assumed to be pathogenic

Literature cited by the submitters: PubMed 29967337; PubMed 1346923; PubMed 1546326.